The following is an entry in ClinVar:

NM_001130009.3(GEN1):c.1718C>T (p.Ser573Leu)

Gene: GEN1 (GEN1 structure-specific endonuclease; plus strand). Cytogenetic location: 2p24.2.
Variant type: single nucleotide variant.
Coding change: c.1718C>T on transcript NM_001130009.3 (MANE Select); coding-DNA position 1718, C replaced by T.
Protein change: p.Ser573Leu; replaces serine 573 with leucine.
Molecular consequence: missense variant.
Genome position (GRCh38, 1-based): chr2:17,780,930, C>T. VCF-style: chr2-17780930-C-T. GRCh37 (hg19) VCF-style: chr2-17962197-C-T.
Other names: c.1718C>T, p.Ser573Leu (NM_182625.5); short protein forms S573L.
Identifiers: ClinVar variation 4826306 (VCV004826306.1).

ClinVar aggregate classification (germline): Uncertain significance (1 of 4 stars; one submission).

Submission:

Ambry Genetics
Classification: Uncertain significance. Last evaluated: 2026-03-11. Review status: criteria provided, single submitter. Criteria: Ambry Variant Classification Scheme 2023. Collection method: clinical testing. Allele origin: germline.
Comment: The p.S573L variant (also known as c.1718C>T), located in coding exon 13 of the GEN1 gene, results from a C to T substitution at nucleotide position 1718. The serine at codon 573 is replaced by leucine, an amino acid with dissimilar properties. This amino acid position is conserved. In addition, this alteration is predicted to be tolerated by in silico analysis. Based on the available evidence, the clinical significance of this variant remains unclear.